The following is an entry in ClinVar:

ClinVar aggregate classification (germline): Uncertain significance (1 of 4 stars; one submission).

Submission:

Women's Health and Genetics/Laboratory Corporation of America, LabCorp
Classification: Uncertain significance. Last evaluated: 2025-05-23. Review status: criteria provided, single submitter. Criteria: LabCorp Variant Classification Summary - May 2015. Collection method: clinical testing. Allele origin: germline.
Comment: Variant summary: PKD1 c.548G>A (p.Cys183Tyr) results in a non-conservative amino acid change in the encoded protein sequence. Algorithms developed to predict the effect of missense changes on protein structure and function all suggest that this variant is likely to be disruptive. The variant was absent in 135730 control chromosomes (gnomAD). The available data on variant occurrences in the general population are insufficient to allow any conclusion about variant significance. c.548G>A has been observed in at least one individual affected with Autosomal dominant polycystic kidney disease (Audrzet_2012, Cornec-Le Gall_2013). These reports do not provide unequivocal conclusions about association of the variant with PKD1-Biallelic Autosomal Recessive Polycystic Kidney Disease. To our knowledge, no experimental evidence demonstrating an impact on protein function has been reported. The following publications have been ascertained in the context of this evaluation (PMID: 22508176, 23431072). No submitters have cited clinical-significance assessments for this variant to ClinVar. Based on the evidence outlined above, the variant was classified as uncertain significance.

Literature cited by the submitters: PubMed 23431072; PubMed 22508176.

NM_001009944.3(PKD1):c.548G>A (p.Cys183Tyr)

Gene: PKD1 (polycystin 1, transient receptor potential channel interacting; minus strand). Cytogenetic location: 16p13.3.
Variant type: single nucleotide variant.
Coding change: c.548G>A on transcript NM_001009944.3 (MANE Select); coding-DNA position 548, G replaced by A.
Protein change: p.Cys183Tyr; replaces cysteine 183 with tyrosine.
Molecular consequence: missense variant.
Genome position (GRCh38, 1-based): chr16:2,118,444, C>T on the plus strand (G>A on the coding strand, the complement: PKD1 is on the minus strand). VCF-style: chr16-2118444-C-T. GRCh37 (hg19) VCF-style: chr16-2168445-C-T.
Other names: c.548G>A, p.Cys183Tyr (NM_000296.4); short protein forms C183Y.
Identifiers: ClinVar variation 3902716 (VCV003902716.1).